The following is an entry in ClinVar:

NM_001145809.2(MYH14):c.1217A>G (p.Gln406Arg)

Gene: MYH14 (myosin heavy chain 14; plus strand). Cytogenetic location: 19q13.33.
Variant type: single nucleotide variant.
Coding change: c.1217A>G on transcript NM_001145809.2 (MANE Select); coding-DNA position 1217, A replaced by G.
Protein change: p.Gln406Arg; replaces glutamine 406 with arginine.
Molecular consequence: missense variant.
Genome position (GRCh38, 1-based): chr19:50,247,010, A>G. VCF-style: chr19-50247010-A-G. GRCh37 (hg19) VCF-style: chr19-50750267-A-G.
Other names: c.1217A>G, p.Gln406Arg (NM_001077186.2); c.1193A>G, p.Gln398Arg (NM_024729.4); short protein forms Q398R, Q406R.
Identifiers: ClinVar variation 930154 (VCV000930154.7), dbSNP rs552730148, ClinGen allele CA9592565.

ClinVar aggregate classification (germline): Uncertain significance. Review status: criteria provided, multiple submitters, no conflicts (2 of 4 stars). 2 submissions from 2 submitters: Uncertain significance (2). Last evaluated 2023-08-17.

Allele frequency attached by ClinVar (database versions not stated): gnomAD below 0.00001 and 0.00001; TOPMed below 0.00001; gnomAD exomes 0.00003 and 0.00006; ExAC 0.00009; 1000 Genomes Project 30x 0.00016; 1000 Genomes Project 0.00020.
gnomAD v4.1: 38 of 1,610,820 alleles (0.0024%); highest among the groups gnomAD compares: South Asian, 0.042%; no homozygotes.

Submissions (2):

Labcorp Genetics (formerly Invitae), Labcorp
Classification: Uncertain significance. Last evaluated: 2023-08-17. Review status: criteria provided, single submitter. Criteria: Invitae Variant Classification Sherloc (09022015). Collection method: clinical testing. Allele origin: germline.
Comment: This sequence change replaces glutamine, which is neutral and polar, with arginine, which is basic and polar, at codon 398 of the MYH14 protein (p.Gln398Arg). This variant is present in population databases (rs552730148, gnomAD 0.05%), and has an allele count higher than expected for a pathogenic variant. In summary, the available evidence is currently insufficient to determine the role of this variant in disease. Therefore, it has been classified as a Variant of Uncertain Significance. Advanced modeling of protein sequence and biophysical properties (such as structural, functional, and spatial information, amino acid conservation, physicochemical variation, residue mobility, and thermodynamic stability) performed at Invitae indicates that this missense variant is expected to disrupt MYH14 protein function. ClinVar contains an entry for this variant (Variation ID: 930154). This variant has not been reported in the literature in individuals affected with MYH14-related conditions.

Laboratory for Molecular Medicine, Mass General Brigham Personalized Medicine
Classification: Uncertain significance. Last evaluated: 2019-05-24. Review status: criteria provided, single submitter. Criteria: LMM Criteria. Collection method: clinical testing. Allele origin: germline. Observed: 1 variant allele.
Comment: The p.Gln406Arg variant in MYH14 has not been previously reported in individuals with hearing loss, but has been identified in 0.05% (15/29730) of South Asian chromosomes by gnomAD. Computational prediction tools and conservation analysis do not provide strong support for or against an impact to the protein. In summary, the clinical significance of this variant is uncertain. ACMG/AMP Criteria applied: PM2_Supporting.